The following is an entry in ClinVar:

ClinVar aggregate classification (germline): Pathogenic. Review status: criteria provided, multiple submitters, no conflicts (2 of 4 stars). 6 submissions from 6 submitters: Pathogenic (6). Last evaluated 2025-06-17.

Conditions:
Hereditary cancer-predisposing syndrome. Also called: Tumor predisposition; Neoplastic Syndromes, Hereditary; Hereditary Cancer Syndrome; Hereditary neoplastic syndrome. Identifiers: Orphanet 140162, MedGen C0027672, MeSH D009386, MONDO:0015356.
Familial cancer of breast. Also called: BREAST CANCER, FAMILIAL; hereditary breast carcinoma; Hereditary breast cancer. Identifiers: Orphanet 227535, MedGen C0346153, MONDO:0016419, OMIM 114480. Disease mechanism: loss of function.
Ataxia-telangiectasia syndrome (AT). Also called: LOUIS-BAR SYNDROME; ATAXIA-TELANGIECTASIA, COMPLEMENTATION GROUP A; ATAXIA-TELANGIECTASIA, FRESNO VARIANT; Ataxia-telangiectasia; Ataxia-telangiectasia, complementation group D; AT, COMPLEMENTATION GROUP C. Identifiers: Orphanet 100, MedGen C0004135, MONDO:0008840, OMIM 208900.
Malignant tumor of breast. Also called: Malignant breast neoplasm; Cancer breast. Identifiers: MedGen C0006142, MONDO:0007254. Disease mechanism: loss of function.

Submissions (6):

Genetic Services Laboratory, University of Chicago
Classification: Pathogenic. Last evaluated: 2025-06-17. Review status: criteria provided, single submitter. Criteria: ACMG Guidelines, 2015. Collection method: clinical testing. Allele origin: germline.
Comment: The c.2465T>A variant: Results in the creation of a premature stop codon at amino acid position 822, p.Leu822*. Is predicted to result in an abnormal transcript, which may be degraded, or may lead to the production of a truncated ATM protein with potentially abnormal function. Has not been described in population databases such as gnomAD v4 (dbSNP rs1442299125). A different nucleotide change leading to the same nonsense change (c.2465T>G; p.Leu822*) has been previously described in individuals with personal and/or family history of breast and/or ovarian cancer (PMID: 12810666). ClinVar contains an entry for this variant (Variation ID: 490471). Collectively this evidence indicates that this variant is pathogenic; however functional studies have not been performed to prove this conclusively.

Myriad Genetics, Inc.
Classification: Pathogenic for Familial cancer of breast. Last evaluated: 2024-01-17. Review status: criteria provided, single submitter. Criteria: Myriad Autosomal Dominant, Autosomal Recessive and X-Linked Classification Criteria (2023). Collection method: clinical testing. Allele origin: unknown.
Comment: This variant is considered pathogenic. This variant creates a termination codon and is predicted to result in premature protein truncation.

Women's Health and Genetics/Laboratory Corporation of America, LabCorp
Classification: Pathogenic for Malignant tumor of breast. Last evaluated: 2023-10-30. Review status: criteria provided, single submitter. Criteria: LabCorp Variant Classification Summary - May 2015. Collection method: clinical testing. Allele origin: germline.
Comment: Variant summary: ATM c.2465T>A (p.Leu822X) results in a premature termination codon, predicted to cause a truncation of the encoded protein or absence of the protein due to nonsense mediated decay, which are commonly known mechanisms for disease. The variant was absent in 250538 control chromosomes. To our knowledge, no occurrence of c.2465T>A in individuals affected with Breast Cancer and no experimental evidence demonstrating its impact on protein function have been reported. However, a different nucleotide change leading to the same nonsense alteration (c.2465T>G; p.L822X) has been previously reported in a family with HBOC (PMID: 12810666). Three submitters have cited clinical-significance assessments for this variant to ClinVar after 2014. All submitters classified the variant as pathogenic. Based on the evidence outlined above, the variant was classified as pathogenic.

Labcorp Genetics (formerly Invitae), Labcorp
Classification: Pathogenic for Ataxia-telangiectasia syndrome. Last evaluated: 2023-03-13. Review status: criteria provided, single submitter. Criteria: Invitae Variant Classification Sherloc (09022015). Collection method: clinical testing. Allele origin: germline.
Comment: For these reasons, this variant has been classified as Pathogenic. ClinVar contains an entry for this variant (Variation ID: 490471). This premature translational stop signal has been observed in individual(s) with a personal and/or family history of breast and/or ovarian cancer (PMID: 12810666). This variant is not present in population databases (gnomAD no frequency). This sequence change creates a premature translational stop signal (p.Leu822*) in the ATM gene. It is expected to result in an absent or disrupted protein product. Loss-of-function variants in ATM are known to be pathogenic (PMID: 23807571, 25614872).

Ambry Genetics
Classification: Pathogenic for Hereditary cancer-predisposing syndrome. Last evaluated: 2022-10-13. Review status: criteria provided, single submitter. Criteria: Ambry Variant Classification Scheme 2023. Collection method: clinical testing. Allele origin: germline.
Comment: The p.L822* pathogenic mutation (also known as c.2465T>A), located in coding exon 15 of the ATM gene, results from a T to A substitution at nucleotide position 2465. This changes the amino acid from a leucine to a stop codon within coding exon 15. This variant is considered to be rare based on population cohorts in the Genome Aggregation Database (gnomAD). This alteration is expected to result in loss of function by premature protein truncation or nonsense-mediated mRNA decay. As such, this alteration is interpreted as a disease-causing mutation.

Color Diagnostics, LLC DBA Color Health
Classification: Pathogenic for Hereditary cancer-predisposing syndrome. Last evaluated: 2021-07-01. Review status: criteria provided, single submitter. Criteria: ACMG Guidelines, 2015. Collection method: clinical testing. Allele origin: germline.
Comment: This variant changes 1 nucleotide in exon 16 of the ATM gene, creating a premature translation stop signal. This variant is expected to result in an absent or non-functional protein product. To our knowledge, this variant has not been reported in individuals affected with hereditary cancer in the literature. This variant has not been identified in the general population by the Genome Aggregation Database (gnomAD). Loss of ATM function is a known mechanism of disease. Based on the available evidence, this variant is classified as Pathogenic.

Literature cited by the submitters: PubMed 12810666 (cited by Labcorp Genetics (formerly Invitae), Labcorp); PubMed 23807571 (cited by Labcorp Genetics (formerly Invitae), Labcorp); PubMed 25614872 (cited by Labcorp Genetics (formerly Invitae), Labcorp).

NM_000051.4(ATM):c.2465T>A (p.Leu822Ter)

Gene: ATM (ATM serine/threonine kinase; plus strand). Cytogenetic location: 11q22.3.
Variant type: single nucleotide variant.
Coding change: c.2465T>A on transcript NM_000051.4 (MANE Select); coding-DNA position 2465, T replaced by A.
Protein change: p.Leu822Ter; replaces leucine 822 with a stop codon.
Molecular consequence: nonsense.
Genome position (GRCh38, 1-based): chr11:108,259,074, T>A. VCF-style: chr11-108259074-T-A. GRCh37 (hg19) VCF-style: chr11-108129801-T-A.
Other names: c.2465T>A, p.Leu822Ter (NM_001351834.2); short protein forms L822*.
Identifiers: ClinVar variation 490471 (VCV000490471.15), dbSNP rs1442299125, ClinGen allele CA382541426.